The following is an entry in ClinVar:

NC_000002.11:g.(?_215661775)_(215661851_?)del

Gene: BARD1 (BRCA1 associated RING domain 1; minus strand). Cytogenetic location: 2q35.
Variant type: Deletion.
Identifiers: ClinVar variation 1460294 (VCV001460294.5).

ClinVar aggregate classification (germline): Pathogenic (1 of 4 stars; one submission).

Conditions:
Familial cancer of breast. Also called: Hereditary breast cancer; hereditary breast carcinoma; BREAST CANCER, FAMILIAL. Identifiers: Orphanet 227535, MedGen C0346153, MONDO:0016419, OMIM 114480. Disease mechanism: loss of function.

Submission:

Labcorp Genetics (formerly Invitae), Labcorp
Classification: Pathogenic for Familial cancer of breast. Last evaluated: 2021-08-25. Review status: criteria provided, single submitter. Criteria: Invitae Variant Classification Sherloc (09022015). Collection method: clinical testing. Allele origin: germline.
Comment: For these reasons, this variant has been classified as Pathogenic. This variant disrupts a region of the BARD1 protein in which other variant(s) (p.Cys71Tyr) have been determined to be pathogenic (PMID: 26350354, 29367421). This suggests that this is a clinically significant region of the protein, and that variants that disrupt it are likely to be disease-causing. A similar copy number variant has been observed in individual(s) with breast cancer (PMID: 31871109). This variant is a gross deletion of the genomic region encompassing exon(s) 2 of the BARD1 gene. This variant would be expected to be in-frame, preserving the integrity of the reading frame.

Literature cited by the submitters: PubMed 26350354; PubMed 29367421; PubMed 31871109.